The following is an entry in ClinVar:

ClinVar aggregate classification (germline): Uncertain significance (1 of 4 stars; one submission).

gnomAD v4.1: 4 of 1,614,170 alleles (0.00025%); highest among the groups gnomAD compares: Admixed American, 0.0067%; no homozygotes.

Submission:

Dasa
Classification: Uncertain significance. Last evaluated: 2025-10-13. Review status: criteria provided, single submitter. Criteria: DASA Assertion Criteria. Collection method: clinical testing. Allele origin: germline.
Comment: NM_001190737.2(NFIB):c.1033C>A (p.Pro345Thr) is a missense variant that results in the substitution of proline with threonine. This variant is rare in population databases. The currently available literature and clinical evidence are not sufficient to establish a definitive association between this variant and the reported condition. Therefore, this variant is classified as a variant of uncertain significance.

NM_001190737.2(NFIB):c.1033C>A (p.Pro345Thr)

Gene: NFIB (nuclear factor I B; minus strand). Cytogenetic location: 9p23.
Variant type: single nucleotide variant.
Coding change: c.1033C>A on transcript NM_001190737.2 (MANE Select); coding-DNA position 1033, C replaced by A.
Protein change: p.Pro345Thr; replaces proline 345 with threonine.
Molecular consequence: missense variant. On other transcripts: non-coding transcript variant (4).
Genome position (GRCh38, 1-based): chr9:14,125,659, G>T on the plus strand (C>A on the coding strand, the complement: NFIB is on the minus strand). VCF-style: chr9-14125659-G-T. GRCh37 (hg19) VCF-style: chr9-14125658-G-T.
Other names: c.1111C>A, p.Pro371Thr (NM_001190738.2); c.277C>A, p.Pro93Thr (NM_001282787.2); c.1099C>A, p.Pro367Thr (NM_001369458.1, NM_001369459.1, NM_001369462.1 and 1 more transcripts); c.1021C>A, p.Pro341Thr (NM_001369460.1, NM_001369463.1, NM_001369466.1 and 2 more transcripts); c.1033C>A, p.Pro345Thr (NM_001369461.1, NM_001369464.1, NM_001369471.1 and 2 more transcripts); c.1006C>A, p.Pro336Thr (NM_001369465.1, NM_001369467.1, NM_001369476.1); c.889C>A, p.Pro297Thr (NM_001369469.1); c.796C>A, p.Pro266Thr (NM_001369470.1, NM_001369478.1); and 4 more; short protein forms P166T, P266T, P270T, P297T, P327T, P336T, P340T, P341T.
Identifiers: ClinVar variation 4885125 (VCV004885125.2).